The following is an entry in ClinVar:

ClinVar aggregate classification (germline): Conflicting classifications of pathogenicity. Review status: criteria provided, conflicting classifications (1 of 4 stars). 6 submissions from 6 submitters: Uncertain significance (4); Likely benign (2). Last evaluated 2025-03-04.

Conditions:
Hereditary cancer-predisposing syndrome. Also called: Neoplastic Syndromes, Hereditary; Tumor predisposition; Hereditary Cancer Syndrome; Hereditary neoplastic syndrome. Identifiers: Orphanet 140162, MedGen C0027672, MeSH D009386, MONDO:0015356.
Hereditary breast ovarian cancer syndrome. Also called: Breast and ovarian cancer; Hereditary breast and ovarian cancer; Hereditary breast and/or ovarian cancer syndrome; BRCA1- and BRCA2-Associated Hereditary Breast and Ovarian Cancer; Hereditary breast and ovarian cancer syndrome; Hereditary breast and ovarian cancer syndrome (HBOC). Identifiers: Orphanet 145, MedGen C0677776, MeSH D061325, MONDO:0003582. Disease mechanism: loss of function.

Submissions (6):

Center for Genomic Medicine, Rigshospitalet, Copenhagen University Hospital
Classification: Likely benign. Last evaluated: 2025-03-04. Review status: criteria provided, single submitter. Criteria: ACMG Guidelines, 2015. Collection method: clinical testing. Allele origin: germline.

Ambry Genetics
Classification: Uncertain significance for Hereditary cancer-predisposing syndrome. Last evaluated: 2024-10-15. Review status: criteria provided, single submitter. Criteria: Ambry Variant Classification Scheme 2023. Collection method: clinical testing. Allele origin: germline.
Comment: The p.K385E variant (also known as c.1153A>G), located in coding exon 9 of the BRCA2 gene, results from an A to G substitution at nucleotide position 1153. The lysine at codon 385 is replaced by glutamic acid, an amino acid with similar properties. This amino acid position is not well conserved in available vertebrate species, and glutamic acid is the reference amino acid in other vertebrate species. In addition, this alteration is predicted to be tolerated by in silico analysis. Based on the available evidence, the clinical significance of this variant remains unclear.

Labcorp Genetics (formerly Invitae), Labcorp
Classification: Uncertain significance for Hereditary breast ovarian cancer syndrome. Last evaluated: 2023-04-08. Review status: criteria provided, single submitter. Criteria: Invitae Variant Classification Sherloc (09022015). Collection method: clinical testing. Allele origin: germline.
Comment: In summary, the available evidence is currently insufficient to determine the role of this variant in disease. Therefore, it has been classified as a Variant of Uncertain Significance. Advanced modeling of protein sequence and biophysical properties (such as structural, functional, and spatial information, amino acid conservation, physicochemical variation, residue mobility, and thermodynamic stability) performed at Invitae indicates that this missense variant is not expected to disrupt BRCA2 protein function. ClinVar contains an entry for this variant (Variation ID: 141222). This variant has not been reported in the literature in individuals affected with BRCA2-related conditions. This variant is not present in population databases (gnomAD no frequency). This sequence change replaces lysine, which is basic and polar, with glutamic acid, which is acidic and polar, at codon 385 of the BRCA2 protein (p.Lys385Glu).

University of Washington Department of Laboratory Medicine, University of Washington
Classification: Likely benign for Hereditary cancer-predisposing syndrome. Last evaluated: 2023-03-23. Review status: criteria provided, single submitter. Criteria: Dines et al. (Genet Med. 2020). Collection method: curation. Allele origin: germline.
Comment: Missense variant in a coldspot region where missense variants are very unlikely to be pathogenic (PMID:31911673).

BRCA2 exon 10 coldspot. Reclassification based on statistical prior probability.

Mendelics
Classification: Uncertain significance. Last evaluated: 2022-05-04. Review status: criteria provided, single submitter. Criteria: Mendelics Assertion Criteria 2019. Collection method: clinical testing. Allele origin: germline.

Color Diagnostics, LLC DBA Color Health
Classification: Uncertain significance for Hereditary cancer-predisposing syndrome. Last evaluated: 2021-02-11. Review status: criteria provided, single submitter. Criteria: ACMG Guidelines, 2015. Collection method: clinical testing. Allele origin: germline.
Comment: This missense variant replaces lysine with glutamic acid at codon 385 of the BRCA2 protein. Computational prediction suggests that this variant may not impact protein structure and function (internally defined REVEL score threshold <= 0.5, PMID: 27666373). To our knowledge, functional studies have not been reported for this variant. This variant has not been reported in individuals affected with hereditary cancer in the literature. This variant has not been identified in the general population by the Genome Aggregation Database (gnomAD). The available evidence is insufficient to determine the role of this variant in disease conclusively. Therefore, this variant is classified as a Variant of Uncertain Significance.

NM_000059.4(BRCA2):c.1153A>G (p.Lys385Glu)

Gene: BRCA2 (BRCA2 DNA repair associated; plus strand). Cytogenetic location: 13q13.1.
Variant type: single nucleotide variant.
Coding change: c.1153A>G on transcript NM_000059.4 (MANE Select); coding-DNA position 1153, A replaced by G.
Protein change: p.Lys385Glu; replaces lysine 385 with glutamic acid.
Molecular consequence: missense variant.
Genome position (GRCh38, 1-based): chr13:32,332,631, A>G. VCF-style: chr13-32332631-A-G. GRCh37 (hg19) VCF-style: chr13-32906768-A-G.
Other names: short protein forms K385E.
Identifiers: ClinVar variation 141222 (VCV000141222.20), dbSNP rs80358411, ClinGen allele CA010980.